The following is an entry in ClinVar:

ClinVar aggregate classification (germline): Uncertain significance (1 of 4 stars; one submission).

gnomAD v4.1: 1 of 1,614,002 alleles (0.000062%); highest among the groups gnomAD compares: Non-Finnish European, 0.000085%; no homozygotes.

Submission:

Labcorp Genetics (formerly Invitae), Labcorp
Classification: Uncertain significance. Last evaluated: 2023-05-20. Review status: criteria provided, single submitter. Criteria: Invitae Variant Classification Sherloc (09022015). Collection method: clinical testing. Allele origin: germline.
Comment: This sequence change replaces histidine, which is basic and polar, with glutamine, which is neutral and polar, at codon 4995 of the MACF1 protein (p.His4995Gln). The frequency data for this variant in the population databases is considered unreliable, as metrics indicate poor data quality at this position in the gnomAD database. This variant has not been reported in the literature in individuals affected with MACF1-related conditions. An algorithm developed to predict the effect of missense changes on protein structure and function (PolyPhen-2) suggests that this variant is likely to be tolerated. In summary, the available evidence is currently insufficient to determine the role of this variant in disease. Therefore, it has been classified as a Variant of Uncertain Significance.

NM_001394062.1(MACF1):c.21162C>A (p.His7054Gln)

Gene: MACF1 (microtubule actin crosslinking factor 1; plus strand). Cytogenetic location: 1p34.3.
Variant type: single nucleotide variant.
Coding change: c.21162C>A on transcript NM_001394062.1 (MANE Select); coding-DNA position 21162, C replaced by A.
Protein change: p.His7054Gln; replaces histidine 7054 with glutamine.
Molecular consequence: missense variant.
Genome position (GRCh38, 1-based): chr1:39,458,456, C>A. VCF-style: chr1-39458456-C-A. GRCh37 (hg19) VCF-style: chr1-39924128-C-A.
Other names: c.9240C>A, p.His3080Gln (NM_001397473.1); c.14985C>A, p.His4995Gln (NM_012090.5); short protein forms H3080Q, H4995Q, H7054Q.
Identifiers: ClinVar variation 2897880 (VCV002897880.3), dbSNP rs777307103, ClinGen allele CA339768241.